The following is an entry in ClinVar:

ClinVar aggregate classification (germline): Uncertain significance (1 of 4 stars; one submission).

Submission:

Labcorp Genetics (formerly Invitae), Labcorp
Classification: Uncertain significance. Last evaluated: 2023-09-15. Review status: criteria provided, single submitter. Criteria: Invitae Variant Classification Sherloc (09022015). Collection method: clinical testing. Allele origin: germline.
Comment: An algorithm developed to predict the effect of missense changes on protein structure and function (PolyPhen-2) suggests that this variant is likely to be disruptive. This variant has not been reported in the literature in individuals affected with FSCN2-related conditions. This variant is not present in population databases (gnomAD no frequency). This sequence change replaces threonine, which is neutral and polar, with proline, which is neutral and non-polar, at codon 309 of the FSCN2 protein (p.Thr309Pro). In summary, the available evidence is currently insufficient to determine the role of this variant in disease. Therefore, it has been classified as a Variant of Uncertain Significance.

NM_012418.4(FSCN2):c.925A>C (p.Thr309Pro)

Gene: FSCN2 (fascin actin-bundling protein 2, retinal; plus strand). Cytogenetic location: 17q25.3.
Variant type: single nucleotide variant.
Coding change: c.925A>C on transcript NM_012418.4 (MANE Select); coding-DNA position 925, A replaced by C.
Protein change: p.Thr309Pro; replaces threonine 309 with proline.
Molecular consequence: missense variant.
Genome position (GRCh38, 1-based): chr17:81,535,150, A>C. VCF-style: chr17-81535150-A-C. GRCh37 (hg19) VCF-style: chr17-79502176-A-C.
Other names: c.925A>C, p.Thr309Pro (NM_001077182.3); short protein forms T309P.
Identifiers: ClinVar variation 2761020 (VCV002761020.3), dbSNP rs2544449217, ClinGen allele CA401475847.